The following is an entry in ClinVar:

NM_153717.3(EVC):c.878A>G (p.Tyr293Cys)

Gene: EVC (EvC ciliary complex subunit 1; plus strand). Cytogenetic location: 4p16.2.
Variant type: single nucleotide variant.
Coding change: c.878A>G on transcript NM_153717.3 (MANE Select); coding-DNA position 878, A replaced by G.
Protein change: p.Tyr293Cys; replaces tyrosine 293 with cysteine.
Molecular consequence: missense variant.
Genome position (GRCh38, 1-based): chr4:5,745,280, A>G. VCF-style: chr4-5745280-A-G. GRCh37 (hg19) VCF-style: chr4-5747007-A-G.
Other names: c.878A>G, p.Tyr293Cys (NM_001306090.2, NM_001306092.2); short protein forms Y293C.
Identifiers: ClinVar variation 905134 (VCV000905134.5), dbSNP rs1252316234, ClinGen allele CA356150090.

ClinVar aggregate classification (germline): Uncertain significance. Review status: criteria provided, multiple submitters, no conflicts (2 of 4 stars). 2 submissions from 2 submitters: Uncertain significance (2). Last evaluated 2022-06-14.

Conditions:
Ellis-van Creveld syndrome (EVC). Also called: EVC-Related Ellis-van Creveld Syndrome; EVC2-Related Ellis-van Creveld Syndrome; MESOECTODERMAL DYSPLASIA; Chondroectodermal dysplasia. Identifiers: Orphanet 289, MedGen C0013903, MONDO:0009162, OMIM 225500.
Curry-Hall syndrome (WAD). Also called: WEYERS ACRODENTAL DYSOSTOSIS. Identifiers: Orphanet 952, MedGen C0457013, MONDO:0008673, OMIM 193530.

Allele frequency attached by ClinVar (database versions not stated): gnomAD exomes below 0.00001; gnomAD 0.00001; TOPMed 0.00001.
gnomAD v4.1: 7 of 1,613,992 alleles (0.00043%); highest among the groups gnomAD compares: East Asian, 0.0089%; no homozygotes.

Submissions (2):

Labcorp Genetics (formerly Invitae), Labcorp
Classification: Uncertain significance for Curry-Hall syndrome; Ellis-van Creveld syndrome. Last evaluated: 2022-06-14. Review status: criteria provided, single submitter. Criteria: Invitae Variant Classification Sherloc (09022015). Collection method: clinical testing. Allele origin: germline.
Comment: This sequence change replaces tyrosine, which is neutral and polar, with cysteine, which is neutral and slightly polar, at codon 293 of the EVC protein (p.Tyr293Cys). This variant is present in population databases (no rsID available, gnomAD 0.005%). This variant has not been reported in the literature in individuals affected with EVC-related conditions. ClinVar contains an entry for this variant (Variation ID: 905134). Algorithms developed to predict the effect of missense changes on protein structure and function are either unavailable or do not agree on the potential impact of this missense change (SIFT: "Deleterious"; PolyPhen-2: "Possibly Damaging"; Align-GVGD: "Class C0"). In summary, the available evidence is currently insufficient to determine the role of this variant in disease. Therefore, it has been classified as a Variant of Uncertain Significance.

Illumina Laboratory Services, Illumina
Classification: Uncertain significance for Ellis-van Creveld syndrome. Last evaluated: 2018-01-13. Review status: criteria provided, single submitter. Criteria: ICSL Variant Classification Criteria 13 December 2019. Collection method: clinical testing. Allele origin: germline.